The following is an entry in ClinVar:

NM_024596.5(MCPH1):c.2214+1_2214+3delinsTGC

Genes: ANGPT2 (angiopoietin 2; minus strand), MCPH1 (microcephalin 1; plus strand). Cytogenetic location: 8p23.1.
Variant type: Indel.
Coding change: c.2214+1_2214+3delinsTGC on transcript NM_024596.5 (MANE Select); the canonical splice donor site of the intron after coding-DNA position 2214 through 3 bases into the intron after coding-DNA position 2214, GTA replaced by TGC.
Molecular consequence: splice donor variant. On other transcripts: 3 prime UTR variant (6), intron variant (1).
Genome position (GRCh38, 1-based): chr8:6,499,930-6,499,932, GTA replaced by TGC. VCF-style: chr8-6499930-GTA-TGC. GRCh37 (hg19) VCF-style: chr8-6357451-GTA-TGC.
Other names: c.*3169_*3171delinsGCA (NM_001118887.2, NM_001118888.2, NM_001147.3 and 1 more transcripts); c.*3317_*3319delinsGCA (NM_001386336.1, NM_001386337.1); c.2214+1_2214+3delinsTGC (NM_001322042.2, NM_001363979.1, NM_001410917.1 and 1 more transcripts); c.1935+44678_1935+44680delinsTGC (NM_001363980.2).
Identifiers: ClinVar variation 2135403 (VCV002135403.4), dbSNP rs2486773987, ClinGen allele CA2580078929.

ClinVar aggregate classification (germline): Uncertain significance (1 of 4 stars; one submission).

Submission:

Labcorp Genetics (formerly Invitae), Labcorp
Classification: Uncertain significance. Last evaluated: 2022-05-08. Review status: criteria provided, single submitter. Criteria: Invitae Variant Classification Sherloc (09022015). Collection method: clinical testing. Allele origin: germline.
Comment: This sequence change affects a splice site in intron 12 of the MCPH1 gene. However, it is currently unclear if variants that occur in this region of the gene cause disease. Information on the frequency of this variant in the gnomAD database is not available, as this variant may be reported differently in the database. In summary, the available evidence is currently insufficient to determine the role of this variant in disease. Therefore, it has been classified as a Variant of Uncertain Significance. This variant has not been reported in the literature in individuals affected with MCPH1-related conditions.